The following is an entry in ClinVar:

NM_005751.5(AKAP9):c.2216G>C (p.Gly739Ala)

Gene: AKAP9 (A-kinase anchoring protein 9; plus strand). Cytogenetic location: 7q21.2.
Variant type: single nucleotide variant.
Coding change: c.2216G>C on transcript NM_005751.5 (MANE Select); coding-DNA position 2216, G replaced by C.
Protein change: p.Gly739Ala; replaces glycine 739 with alanine.
Molecular consequence: missense variant.
Genome position (GRCh38, 1-based): chr7:92,002,133, G>C. VCF-style: chr7-92002133-G-C. GRCh37 (hg19) VCF-style: chr7-91631447-G-C.
Other names: c.2216G>C, p.Gly739Ala (NM_147185.3); short protein forms G739A.
Identifiers: ClinVar variation 3225025 (VCV003225025.1), dbSNP rs2484692824, ClinGen allele CA368123598.
Genomic context (GRCh38, chr7:92,002,133, plus strand): 5'-TTCAAATCAATGAACTTCAAAAAGAAATTGAAATACTCAGACAAGAAGAAAAAGAAAAGG[G>C]TACACTTGAACAAGAAGTTCAAGAATTACAACTTAAAACAGAATTGTTAGAAAAACAGAT-3'
Protein context (NP_005742.4, residues 729-749): EILRQEEKEK[Gly739Ala]TLEQEVQELQ

ClinVar aggregate classification (germline): Uncertain significance (1 of 4 stars; one submission).

Conditions:
Cardiovascular phenotype. Identifiers: MedGen CN230736.

Allele frequency attached by ClinVar (database versions not stated): gnomAD exomes below 0.00001.
gnomAD v4.1: 1 of 1,594,032 alleles (0.000063%); highest among the groups gnomAD compares: Non-Finnish European, 0.000085%; no homozygotes.

Submission:

Ambry Genetics
Classification: Uncertain significance for Cardiovascular phenotype. Last evaluated: 2023-10-02. Review status: criteria provided, single submitter. Criteria: Ambry Variant Classification Scheme 2023. Collection method: clinical testing. Allele origin: germline.
Comment: The p.G739A variant (also known as c.2216G>C), located in coding exon 8 of the AKAP9 gene, results from a G to C substitution at nucleotide position 2216. The glycine at codon 739 is replaced by alanine, an amino acid with similar properties. This amino acid position is conserved. In addition, this alteration is predicted to be tolerated by in silico analysis. Since supporting evidence is limited at this time, the clinical significance of this alteration remains unclear.